The following is an entry in ClinVar:

ClinVar aggregate classification (germline): Conflicting classifications of pathogenicity. Review status: criteria provided, conflicting classifications (1 of 4 stars). 3 submissions from 3 submitters: Uncertain significance (2); Likely benign (1). Last evaluated 2025-05-31.

Conditions:
Inborn genetic diseases. Identifiers: MedGen C0950123, MeSH D030342.

Allele frequency attached by ClinVar (database versions not stated): ExAC 0.00006; gnomAD exomes 0.00007; ESP Exome Variant Server 0.00008; gnomAD 0.00028 and 0.00030; 1000 Genomes Project 0.00040; TOPMed 0.00040; 1000 Genomes Project 30x 0.00078.

Submissions (3):

Labcorp Genetics (formerly Invitae), Labcorp
Classification: Likely benign. Last evaluated: 2025-05-31. Review status: criteria provided, single submitter. Criteria: Invitae Variant Classification Sherloc (09022015). Collection method: clinical testing. Allele origin: germline.

Women's Health and Genetics/Laboratory Corporation of America, LabCorp
Classification: Uncertain significance. Last evaluated: 2024-07-09. Review status: criteria provided, single submitter. Criteria: LabCorp Variant Classification Summary - May 2015. Collection method: clinical testing. Allele origin: germline.
Comment: Variant summary: SPTBN2 c.1482G>T (p.Glu494Asp) results in a conservative amino acid change in the encoded protein sequence. Three of five in-silico tools predict a damaging effect of the variant on protein function. The variant allele was found at a frequency of 6.6e-05 in 242396 control chromosomes. This frequency is not significantly higher than estimated for a pathogenic variant in SPTBN2 causing Spinocerebellar Ataxia 5, allowing no conclusion about variant significance. To our knowledge, no occurrence of c.1482G>T in individuals affected with Spinocerebellar Ataxia 5 and no experimental evidence demonstrating its impact on protein function have been reported. ClinVar contains an entry for this variant (Variation ID: 741207). Based on the evidence outlined above, the variant was classified as uncertain significance.

Ambry Genetics
Classification: Uncertain significance for Inborn genetic diseases. Last evaluated: 2023-11-14. Review status: criteria provided, single submitter. Criteria: Ambry Variant Classification Scheme 2023. Collection method: clinical testing. Allele origin: germline.

NM_006946.4(SPTBN2):c.1482G>T (p.Glu494Asp)

Gene: SPTBN2 (spectrin beta, non-erythrocytic 2; minus strand). Cytogenetic location: 11q13.2.
Variant type: single nucleotide variant.
Coding change: c.1482G>T on transcript NM_006946.4 (MANE Select); coding-DNA position 1482, G replaced by T.
Protein change: p.Glu494Asp; replaces glutamic acid 494 with aspartic acid.
Molecular consequence: missense variant.
Genome position (GRCh38, 1-based): chr11:66,707,687, C>A on the plus strand (G>T on the coding strand, the complement: SPTBN2 is on the minus strand). VCF-style: chr11-66707687-C-A. GRCh37 (hg19) VCF-style: chr11-66475158-C-A.
Other names: short protein forms E494D.
Identifiers: ClinVar variation 741207 (VCV000741207.11), dbSNP rs372109002, ClinGen allele CA6129359.